The following is an entry in ClinVar:

NM_000038.6(APC):c.3612A>G (p.Gln1204=)

Gene: APC (APC regulator of Wnt signaling pathway; plus strand). Cytogenetic location: 5q22.2.
Variant type: single nucleotide variant.
Coding change: c.3612A>G on transcript NM_000038.6 (MANE Select); coding-DNA position 3612, A replaced by G.
Protein change: p.Gln1204=; no amino-acid change (glutamine 1204 retained).
Molecular consequence: synonymous variant.
Genome position (GRCh38, 1-based): chr5:112,839,206, A>G. VCF-style: chr5-112839206-A-G. GRCh37 (hg19) VCF-style: chr5-112174903-A-G.
Other names: c.3612A>G, p.Gln1204= (NM_001127510.3, NM_001354895.2); c.3558A>G, p.Gln1186= (NM_001127511.3); c.3666A>G, p.Gln1222= (NM_001354896.2); c.3642A>G, p.Gln1214= (NM_001354897.2); c.3537A>G, p.Gln1179= (NM_001354898.2); c.3528A>G, p.Gln1176= (NM_001354899.2); c.3489A>G, p.Gln1163= (NM_001354900.2); c.3435A>G, p.Gln1145= (NM_001354901.2); and 5 more.
Identifiers: ClinVar variation 219657 (VCV000219657.23), dbSNP rs864622196, ClinGen allele CA349876.

ClinVar aggregate classification (germline): Benign/Likely benign. Review status: criteria provided, multiple submitters, no conflicts (2 of 4 stars). 7 submissions from 7 submitters: Benign (1); Likely benign (5). 1 of the submissions does not count toward it. Last evaluated 2026-01-18.

Conditions:
Classic or attenuated familial adenomatous polyposis. Identifiers: MedGen CN372698, MONDO:0021057.
Hereditary cancer-predisposing syndrome. Also called: Hereditary neoplastic syndrome; Tumor predisposition; Hereditary Cancer Syndrome; Neoplastic Syndromes, Hereditary. Identifiers: Orphanet 140162, MedGen C0027672, MeSH D009386, MONDO:0015356.
Familial adenomatous polyposis 1 (FAP1). Also called: FAMILIAL ADENOMATOUS POLYPOSIS 1, ATTENUATED; POLYPOSIS, ADENOMATOUS INTESTINAL. Identifiers: MedGen C2713442, MONDO:0021056, OMIM 175100. Disease mechanism: loss of function.

Allele frequency attached by ClinVar (database versions not stated): gnomAD exomes below 0.00001.
gnomAD v4.1: 1 of 1,614,182 alleles (0.000062%); highest among the groups gnomAD compares: Non-Finnish European, 0.000085%; no homozygotes.

Submissions (7):

Labcorp Genetics (formerly Invitae), Labcorp
Classification: Likely benign for Familial adenomatous polyposis 1. Last evaluated: 2026-01-18. Review status: criteria provided, single submitter. Criteria: Invitae Variant Classification Sherloc (09022015). Collection method: clinical testing. Allele origin: germline.

All of Us Research Program, National Institutes of Health
Classification: Likely benign for Classic or attenuated familial adenomatous polyposis. Last evaluated: 2023-06-15. Review status: criteria provided, single submitter. Criteria: ACMG Guidelines, 2015. Collection method: clinical testing. Allele origin: germline. Inheritance: Autosomal dominant inheritance. Observed: 1 variant allele, 1 heterozygote.
Comment: This study involves interpretation of variants in research participants for the purpose of population health screening. Participant phenotype was not available at the time of variant classification. Additional details can be found in publication PMID: 35346344, PMCID: PMC8962531

Myriad Genetics, Inc.
Classification: Benign for Familial adenomatous polyposis 1. Last evaluated: 2023-03-06. Review status: criteria provided, single submitter. Criteria: Myriad Autosomal Dominant, Autosomal Recessive and X-Linked Classification Criteria (2023). Collection method: clinical testing. Allele origin: unknown.
Comment: This variant is considered benign. This variant is a silent/synonymous amino acid change and it is not expected to impact splicing.

Color Diagnostics, LLC DBA Color Health
Classification: Likely benign for Hereditary cancer-predisposing syndrome. Last evaluated: 2020-09-15. Review status: criteria provided, single submitter. Criteria: ACMG Guidelines, 2015. Collection method: clinical testing. Allele origin: germline.

Women's Health and Genetics/Laboratory Corporation of America, LabCorp
Classification: Likely benign. Last evaluated: 2019-08-20. Review status: criteria provided, single submitter. Criteria: LabCorp Variant Classification Summary - May 2015. Collection method: clinical testing. Allele origin: germline.

Ambry Genetics
Classification: Likely benign for Hereditary cancer-predisposing syndrome. Last evaluated: 2015-03-02. Review status: criteria provided, single submitter. Criteria: Ambry Variant Classification Scheme 2023. Collection method: clinical testing. Allele origin: germline.

Counsyl
Classification: Likely benign for Familial adenomatous polyposis 1. Last evaluated: 2018-05-21. Review status: no assertion criteria provided. Collection method: clinical testing. Allele origin: unknown. Not counted in ClinVar's aggregate classification.